The following is an entry in ClinVar:

NM_000268.4(NF2):c.152G>C (p.Cys51Ser)

Gene: NF2 (NF2, moesin-ezrin-radixin like (MERLIN) tumor suppressor; plus strand). Cytogenetic location: 22q12.2.
Variant type: single nucleotide variant.
Coding change: c.152G>C on transcript NM_000268.4 (MANE Select); coding-DNA position 152, G replaced by C.
Protein change: p.Cys51Ser; replaces cysteine 51 with serine.
Molecular consequence: missense variant. On other transcripts: 5 prime UTR variant (2), intron variant (6).
Genome position (GRCh38, 1-based): chr22:29,636,788, G>C. VCF-style: chr22-29636788-G-C. GRCh37 (hg19) VCF-style: chr22-30032777-G-C.
Other names: c.38G>C, p.Cys13Ser (NM_001407053.1, NM_001407056.1); c.152G>C, p.Cys51Ser (NM_001407054.1, NM_001407057.1, NM_001407058.1 and 9 more transcripts); c.-489G>C (NM_001407065.1); c.-105G>C (NM_001407067.1); c.115-2302G>C (NM_181828.3, NM_001407055.1); c.115-5414G>C (NM_001407063.1, NM_181830.3, NM_001407064.1 and 1 more transcripts); short protein forms C51S, C13S.
Identifiers: ClinVar variation 4119230 (VCV004119230.2).

ClinVar aggregate classification (germline): Uncertain significance. Review status: criteria provided, multiple submitters, no conflicts (2 of 4 stars). 2 submissions from 2 submitters: Uncertain significance (2). Last evaluated 2025-10-13.

Conditions:
Neurofibromatosis, type 2 (SWNV). Also called: BILATERAL ACOUSTIC NEUROFIBROMATOSIS; NF2-Related Schwannomatosis; SCHWANNOMATOSIS, VESTIBULAR. Identifiers: Orphanet 637, MedGen C0027832, MONDO:0007039, OMIM 101000. Disease mechanism: loss of function.
Hereditary cancer-predisposing syndrome. Also called: Tumor predisposition; Neoplastic Syndromes, Hereditary; Hereditary Cancer Syndrome; Hereditary neoplastic syndrome. Identifiers: Orphanet 140162, MedGen C0027672, MeSH D009386, MONDO:0015356.

Submissions (2):

Labcorp Genetics (formerly Invitae), Labcorp
Classification: Uncertain significance for Neurofibromatosis, type 2. Last evaluated: 2025-10-13. Review status: criteria provided, single submitter. Criteria: Invitae Variant Classification Sherloc (09022015). Collection method: clinical testing. Allele origin: germline.
Comment: This sequence change replaces cysteine, which is neutral and slightly polar, with serine, which is neutral and polar, at codon 51 of the NF2 protein (p.Cys51Ser). This variant is not present in population databases (gnomAD no frequency). This variant has not been reported in the literature in individuals affected with NF2-related conditions. Invitae Evidence Modeling of protein sequence and biophysical properties (such as structural, functional, and spatial information, amino acid conservation, physicochemical variation, residue mobility, and thermodynamic stability) indicates that this missense variant is not expected to disrupt NF2 protein function with a negative predictive value of 80%. In summary, the available evidence is currently insufficient to determine the role of this variant in disease. Therefore, it has been classified as a Variant of Uncertain Significance.

Ambry Genetics
Classification: Uncertain significance for Hereditary cancer-predisposing syndrome. Last evaluated: 2025-08-02. Review status: criteria provided, single submitter. Criteria: Ambry Variant Classification Scheme 2023. Collection method: clinical testing. Allele origin: germline.